The following is an entry in ClinVar:

ClinVar aggregate classification (germline): Uncertain significance (1 of 4 stars; one submission).

Conditions:
Nemaline myopathy 2 (NEM2). Also called: Nemaline myopathy 2, autosomal recessive. Identifiers: MedGen C1850569, MONDO:0009725, OMIM 256030.

Submission:

Labcorp Genetics (formerly Invitae), Labcorp
Classification: Uncertain significance for Nemaline myopathy 2. Last evaluated: 2021-08-24. Review status: criteria provided, single submitter. Criteria: Invitae Variant Classification Sherloc (09022015). Collection method: clinical testing. Allele origin: germline.
Comment: This sequence change replaces methionine with lysine at codon 1143 of the NEB protein (p.Met1143Lys). The methionine residue is moderately conserved and there is a moderate physicochemical difference between methionine and lysine. This variant is not present in population databases (ExAC no frequency). This variant has not been reported in the literature in individuals affected with NEB-related conditions. Algorithms developed to predict the effect of missense changes on protein structure and function are either unavailable or do not agree on the potential impact of this missense change (SIFT: "Deleterious"; PolyPhen-2: "Not Available"; Align-GVGD: "Class C0"). In summary, the available evidence is currently insufficient to determine the role of this variant in disease. Therefore, it has been classified as a Variant of Uncertain Significance.

NM_001164508.2(NEB):c.3428T>A (p.Met1143Lys)

Gene: NEB (nebulin; minus strand). Cytogenetic location: 2q23.3.
Variant type: single nucleotide variant.
Coding change: c.3428T>A on transcript NM_001164508.2 (MANE Select); coding-DNA position 3428, T replaced by A.
Protein change: p.Met1143Lys; replaces methionine 1143 with lysine.
Molecular consequence: missense variant.
Genome position (GRCh38, 1-based): chr2:151,678,015, A>T on the plus strand (T>A on the coding strand, the complement: NEB is on the minus strand). VCF-style: chr2-151678015-A-T. GRCh37 (hg19) VCF-style: chr2-152534529-A-T.
Other names: c.3428T>A, p.Met1143Lys (NM_001164507.2, NM_001271208.2, NM_004543.5); short protein forms M1143K.
Identifiers: ClinVar variation 1441932 (VCV001441932.5), dbSNP rs1428000725, ClinGen allele CA348819131.